The following is an entry in ClinVar:

NM_003978.5(PSTPIP1):c.1045G>A (p.Ala349Thr)

Gene: PSTPIP1 (proline-serine-threonine phosphatase interacting protein 1; plus strand). Cytogenetic location: 15q24.3.
Variant type: single nucleotide variant.
Coding change: c.1045G>A on transcript NM_003978.5 (MANE Select); coding-DNA position 1045, G replaced by A.
Protein change: p.Ala349Thr; replaces alanine 349 with threonine.
Molecular consequence: missense variant. On other transcripts: non-coding transcript variant (1).
Genome position (GRCh38, 1-based): chr15:77,035,861, G>A. VCF-style: chr15-77035861-G-A. GRCh37 (hg19) VCF-style: chr15-77328202-G-A.
Other names: c.988G>A, p.Ala330Thr (NM_001321135.2); c.1018G>A, p.Ala340Thr (NM_001321136.2); c.1240G>A, p.Ala414Thr (NM_001321137.1); short protein forms A330T, A340T, A414T, A349T.
Identifiers: ClinVar variation 844952 (VCV000844952.11), dbSNP rs187211142, ClinGen allele CA7676146.
Genomic context (GRCh38, chr15:77,035,861, plus strand): 5'-GCGTCCACAGAGACCCTGACCCCCACCCCCGAGCGGAATGAGGGTGTCTACACAGCCATC[G>A]CAGTGCAGGAGATACAGGGAAACCCGGCCTCACCAGCCCAGGAGTACCGGGCGCTCTACG-3'
Protein context (NP_003969.2, residues 339-359): ERNEGVYTAI[Ala349Thr]VQEIQGNPAS

ClinVar aggregate classification (germline): Uncertain significance. Review status: criteria provided, multiple submitters, no conflicts (2 of 4 stars). 2 submissions from 2 submitters: Uncertain significance (2). Last evaluated 2025-10-29.

Conditions:
Pyogenic arthritis-pyoderma gangrenosum-acne syndrome (PAPA). Also called: FAMILIAL RECURRENT ARTHRITIS; PAPA SYNDROME. Identifiers: Orphanet 69126, MedGen C1858361, MONDO:0011462, OMIM 604416.

Allele frequency attached by ClinVar (database versions not stated): gnomAD exomes 0.00006 and 0.00008; ESP Exome Variant Server 0.00008; TOPMed 0.00008; ExAC 0.00012; 1000 Genomes Project 0.00060; 1000 Genomes Project 30x 0.00062.
gnomAD v4.1: 95 of 1,610,548 alleles (0.0059%); highest among the groups gnomAD compares: South Asian, 0.056%; 1 homozygote.

Submissions (2):

Labcorp Genetics (formerly Invitae), Labcorp
Classification: Uncertain significance for Pyogenic arthritis-pyoderma gangrenosum-acne syndrome. Last evaluated: 2025-10-29. Review status: criteria provided, single submitter. Criteria: Invitae Variant Classification Sherloc (09022015). Collection method: clinical testing. Allele origin: germline.
Comment: This sequence change replaces alanine, which is neutral and non-polar, with threonine, which is neutral and polar, at codon 349 of the PSTPIP1 protein (p.Ala349Thr). This variant is present in population databases (rs187211142, gnomAD 0.05%), and has an allele count higher than expected for a pathogenic variant. This variant has not been reported in the literature in individuals affected with PSTPIP1-related conditions. ClinVar contains an entry for this variant (Variation ID: 844952). Invitae Evidence Modeling of protein sequence and biophysical properties (such as structural, functional, and spatial information, amino acid conservation, physicochemical variation, residue mobility, and thermodynamic stability) indicates that this missense variant is not expected to disrupt PSTPIP1 protein function with a negative predictive value of 80%. In summary, the available evidence is currently insufficient to determine the role of this variant in disease. Therefore, it has been classified as a Variant of Uncertain Significance.

GeneDx
Classification: Uncertain significance. Last evaluated: 2024-03-14. Review status: criteria provided, single submitter. Criteria: GeneDx Variant Classification Process June 2021. Collection method: clinical testing. Allele origin: germline. Affected: yes.
Comment: In silico analysis supports that this missense variant does not alter protein structure/function; Has not been previously published as pathogenic or benign to our knowledge